The following is an entry in ClinVar:

ClinVar aggregate classification (germline): Uncertain significance (1 of 4 stars; one submission).

gnomAD v4.1: 5 of 1,614,006 alleles (0.00031%); highest among the groups gnomAD compares: Non-Finnish European, 0.00034%; no homozygotes.

Submission:

Ambry Genetics
Classification: Uncertain significance. Last evaluated: 2024-02-03. Review status: criteria provided, single submitter. Criteria: Ambry Variant Classification Scheme 2023. Collection method: clinical testing. Allele origin: germline.
Comment: The p.T129I variant (also known as c.386C>T), located in coding exon 3 of the ALPK2 gene, results from a C to T substitution at nucleotide position 386. The threonine at codon 129 is replaced by isoleucine, an amino acid with similar properties. This amino acid position is conserved. In addition, this alteration is predicted to be tolerated by in silico analysis. Based on the available evidence, the clinical significance of this alteration remains unclear.

NM_052947.4(ALPK2):c.386C>T (p.Thr129Ile)

Gene: ALPK2 (alpha kinase 2; minus strand). Cytogenetic location: 18q21.31.
Variant type: single nucleotide variant.
Coding change: c.386C>T on transcript NM_052947.4 (MANE Select); coding-DNA position 386, C replaced by T.
Protein change: p.Thr129Ile; replaces threonine 129 with isoleucine.
Molecular consequence: missense variant.
Genome position (GRCh38, 1-based): chr18:58,580,390, G>A on the plus strand (C>T on the coding strand, the complement: ALPK2 is on the minus strand). VCF-style: chr18-58580390-G-A. GRCh37 (hg19) VCF-style: chr18-56247622-G-A.
Other names: short protein forms T129I.
Identifiers: ClinVar variation 3228710 (VCV003228710.1), dbSNP rs776066961, ClinGen allele CA402568088.